The following is an entry in ClinVar:

NM_000038.6(APC):c.7330A>C (p.Ile2444Leu)

Gene: APC (APC regulator of Wnt signaling pathway; plus strand). Cytogenetic location: 5q22.2.
Variant type: single nucleotide variant.
Coding change: c.7330A>C on transcript NM_000038.6 (MANE Select); coding-DNA position 7330, A replaced by C.
Protein change: p.Ile2444Leu; replaces isoleucine 2444 with leucine.
Molecular consequence: missense variant.
Genome position (GRCh38, 1-based): chr5:112,842,924, A>C. VCF-style: chr5-112842924-A-C. GRCh37 (hg19) VCF-style: chr5-112178621-A-C.
Other names: c.7330A>C, p.Ile2444Leu (NM_001127510.3, NM_001354895.2); c.7276A>C, p.Ile2426Leu (NM_001127511.3); c.7384A>C, p.Ile2462Leu (NM_001354896.2); c.7360A>C, p.Ile2454Leu (NM_001354897.2); c.7255A>C, p.Ile2419Leu (NM_001354898.2); c.7246A>C, p.Ile2416Leu (NM_001354899.2); c.7207A>C, p.Ile2403Leu (NM_001354900.2); c.7153A>C, p.Ile2385Leu (NM_001354901.2); and 5 more; short protein forms I2161L, I2284L, I2353L, I2385L, I2426L, I2416L, I2454L, I2462L.
Identifiers: ClinVar variation 918419 (VCV000918419.5), dbSNP rs1766449959, ClinGen allele CA16037292.

ClinVar aggregate classification (germline): Uncertain significance (1 of 4 stars; one submission).

Conditions:
Hereditary cancer-predisposing syndrome. Also called: Neoplastic Syndromes, Hereditary; Tumor predisposition; Hereditary Cancer Syndrome; Hereditary neoplastic syndrome. Identifiers: Orphanet 140162, MedGen C0027672, MeSH D009386, MONDO:0015356.

Submission:

Color Diagnostics, LLC DBA Color Health
Classification: Uncertain significance for Hereditary cancer-predisposing syndrome. Last evaluated: 2023-12-05. Review status: criteria provided, single submitter. Criteria: ACMG Guidelines, 2015. Collection method: clinical testing. Allele origin: germline.
Comment: This missense variant replaces isoleucine with leucine at codon 2444 of the APC protein. Computational prediction tools and conservation analyses are inconclusive regarding the impact of this variant on protein structure and function. Splice site prediction tools suggest that this variant may not impact RNA splicing. To our knowledge, functional studies have not been performed for this variant. This variant has not been reported in individuals affected with hereditary cancer in the literature. This variant has not been identified in the general population by the Genome Aggregation Database (gnomAD). The available evidence is insufficient to determine the role of this variant in disease conclusively. Therefore, this variant is classified as a Variant of Uncertain Significance.